The following is an entry in ClinVar:

ClinVar aggregate classification (germline): Uncertain significance (1 of 4 stars; one submission).

Submission:

Labcorp Genetics (formerly Invitae), Labcorp
Classification: Uncertain significance. Last evaluated: 2022-07-17. Review status: criteria provided, single submitter. Criteria: Invitae Variant Classification Sherloc (09022015). Collection method: clinical testing. Allele origin: germline.
Comment: In summary, the available evidence is currently insufficient to determine the role of this variant in disease. Therefore, it has been classified as a Variant of Uncertain Significance. Algorithms developed to predict the effect of missense changes on protein structure and function are either unavailable or do not agree on the potential impact of this missense change (SIFT: "Tolerated"; PolyPhen-2: "Possibly Damaging"; Align-GVGD: "Class C0"). This variant has not been reported in the literature in individuals affected with NEDD4L-related conditions. This variant is not present in population databases (gnomAD no frequency). This sequence change replaces alanine, which is neutral and non-polar, with valine, which is neutral and non-polar, at codon 570 of the NEDD4L protein (p.Ala570Val).

NM_001144967.3(NEDD4L):c.1769C>T (p.Ala590Val)

Gene: NEDD4L (NEDD4 like E3 ubiquitin protein ligase; plus strand). Cytogenetic location: 18q21.31.
Variant type: single nucleotide variant.
Coding change: c.1769C>T on transcript NM_001144967.3 (MANE Select); coding-DNA position 1769, C replaced by T.
Protein change: p.Ala590Val; replaces alanine 590 with valine.
Molecular consequence: missense variant.
Genome position (GRCh38, 1-based): chr18:58,364,269, C>T. VCF-style: chr18-58364269-C-T. GRCh37 (hg19) VCF-style: chr18-56031501-C-T.
Other names: c.1406C>T, p.Ala469Val (NM_001144964.1, NM_001144965.2, NM_001144966.3); c.1745C>T, p.Ala582Val (NM_001144968.2); c.1685C>T, p.Ala562Val (NM_001144969.2); c.1346C>T, p.Ala449Val (NM_001144970.3, NM_001144971.2); c.1577C>T, p.Ala526Val (NM_001243960.2); c.1709C>T, p.Ala570Val (NM_015277.6); short protein forms A449V, A469V, A526V, A562V, A570V, A582V, A590V.
Identifiers: ClinVar variation 1716784 (VCV001716784.5), dbSNP rs2517613740, ClinGen allele CA402545687.